The following is an entry in ClinVar:

ClinVar aggregate classification (germline): Uncertain significance (1 of 4 stars; one submission).

Conditions:
Tuberous sclerosis 2 (TSC2). Identifiers: Orphanet 805, MedGen C1860707, MONDO:0013199, OMIM 613254.

gnomAD v4.1: 1 of 1,613,528 alleles (0.000062%); highest among the groups gnomAD compares: Non-Finnish European, 0.000085%; no homozygotes.

Submission:

Labcorp Genetics (formerly Invitae), Labcorp
Classification: Uncertain significance for Tuberous sclerosis 2. Last evaluated: 2023-04-06. Review status: criteria provided, single submitter. Criteria: Invitae Variant Classification Sherloc (09022015). Collection method: clinical testing. Allele origin: germline.
Comment: This sequence change replaces threonine, which is neutral and polar, with serine, which is neutral and polar, at codon 927 of the TSC2 protein (p.Thr927Ser). This variant is not present in population databases (gnomAD no frequency). This variant has not been reported in the literature in individuals affected with TSC2-related conditions. Advanced modeling of protein sequence and biophysical properties (such as structural, functional, and spatial information, amino acid conservation, physicochemical variation, residue mobility, and thermodynamic stability) performed at Invitae indicates that this missense variant is not expected to disrupt TSC2 protein function. Algorithms developed to predict the effect of sequence changes on RNA splicing suggest that this variant may disrupt the consensus splice site. In summary, the available evidence is currently insufficient to determine the role of this variant in disease. Therefore, it has been classified as a Variant of Uncertain Significance.

NM_000548.5(TSC2):c.2780C>G (p.Thr927Ser)

Gene: TSC2 (TSC complex subunit 2; plus strand). Cytogenetic location: 16p13.3.
Variant type: single nucleotide variant.
Coding change: c.2780C>G on transcript NM_000548.5 (MANE Select); coding-DNA position 2780, C replaced by G.
Protein change: p.Thr927Ser; replaces threonine 927 with serine.
Molecular consequence: missense variant. On other transcripts: non-coding transcript variant (5).
Genome position (GRCh38, 1-based): chr16:2,076,528, C>G. VCF-style: chr16-2076528-C-G. GRCh37 (hg19) VCF-style: chr16-2126529-C-G.
Other names: c.2318C>G, p.Thr773Ser (NM_001406681.1); c.2180C>G, p.Thr727Ser (NM_001406682.1, NM_001406683.1, NM_001406684.1 and 6 more transcripts); c.1436C>G, p.Thr479Ser (NM_001406689.1, NM_001406690.1, NM_001406691.1 and 6 more transcripts); c.2780C>G, p.Thr927Ser (NM_001077183.3, NM_001114382.3, NM_001363528.2 and 6 more transcripts); c.2669C>G, p.Thr890Ser (NM_001318827.2, NM_001406670.1, NM_001406678.1); c.2633C>G, p.Thr878Ser (NM_001318829.2, NM_001406675.1, NM_001406676.1 and 1 more transcripts); c.2813C>G, p.Thr938Ser (NM_001318832.2); c.2870C>G, p.Thr957Ser (NM_001406667.1, NM_001406668.1); and 3 more; short protein forms T773S, T957S, T393S, T727S, T878S, T479S, T890S, T923S.
Identifiers: ClinVar variation 3020528 (VCV003020528.3), dbSNP rs144329595, ClinGen allele CA394279938.